The following is an entry in ClinVar:

ClinVar aggregate classification (germline): Conflicting classifications of pathogenicity. Review status: criteria provided, conflicting classifications (1 of 4 stars). 3 submissions from 3 submitters: Uncertain significance (2); Likely benign (1). Last evaluated 2026-03-04.

Conditions:
Primary ciliary dyskinesia. Also called: Ciliary dyskinesia. Identifiers: Orphanet 244, MedGen C0008780, MONDO:0016575, HP:0012265.

Allele frequency attached by ClinVar (database versions not stated): gnomAD exomes below 0.00001; gnomAD 0.00002; TOPMed 0.00002.

Submissions (3):

GeneDx
Classification: Uncertain significance. Last evaluated: 2026-03-04. Review status: criteria provided, single submitter. Criteria: GeneDx Variant Classification Process June 2021. Collection method: clinical testing. Allele origin: germline.
Comment: Not observed at significant frequency in large population cohorts (gnomAD); In silico analysis supports that this missense variant has a deleterious effect on protein structure/function; Has not been previously published as pathogenic or benign to our knowledge

Ambry Genetics
Classification: Uncertain significance for Primary ciliary dyskinesia. Last evaluated: 2024-02-21. Review status: criteria provided, single submitter. Criteria: Ambry Variant Classification Scheme 2023. Collection method: clinical testing. Allele origin: germline.

Labcorp Genetics (formerly Invitae), Labcorp
Classification: Likely benign for Primary ciliary dyskinesia. Last evaluated: 2024-01-13. Review status: criteria provided, single submitter. Criteria: Invitae Variant Classification Sherloc (09022015). Collection method: clinical testing. Allele origin: germline.

NM_001277115.2(DNAH11):c.643C>T (p.Pro215Ser)

Gene: DNAH11 (dynein axonemal heavy chain 11; plus strand). Cytogenetic location: 7p15.3.
Variant type: single nucleotide variant.
Coding change: c.643C>T on transcript NM_001277115.2 (MANE Select); coding-DNA position 643, C replaced by T.
Protein change: p.Pro215Ser; replaces proline 215 with serine.
Molecular consequence: missense variant.
Genome position (GRCh38, 1-based): chr7:21,558,949, C>T. VCF-style: chr7-21558949-C-T. GRCh37 (hg19) VCF-style: chr7-21598567-C-T.
Other names: short protein forms P215S.
Identifiers: ClinVar variation 1479917 (VCV001479917.11), dbSNP rs995773912, ClinGen allele CA155074492.